The following is an entry in ClinVar:

NM_021954.4(GJA3):c.*2602T>C

Gene: GJA3 (gap junction protein alpha 3; minus strand). Cytogenetic location: 13q12.11.
Variant type: single nucleotide variant.
Coding change: c.*2602T>C on transcript NM_021954.4 (MANE Select); 2602 bases downstream of the stop codon, T replaced by C.
Molecular consequence: 3 prime UTR variant.
Genome position (GRCh38, 1-based): chr13:20,139,379, A>G on the plus strand (T>C on the coding strand, the complement: GJA3 is on the minus strand). VCF-style: chr13-20139379-A-G. GRCh37 (hg19) VCF-style: chr13-20713518-A-G.
Identifiers: ClinVar variation 311295 (VCV000311295.6), dbSNP rs6490519, ClinGen allele CA10633943.

ClinVar aggregate classification (germline): Benign. Review status: criteria provided, multiple submitters, no conflicts (2 of 4 stars). 2 submissions from 2 submitters: Benign (2). Last evaluated 2018-01-13.

Conditions:
Cataract 14 multiple types. Also called: CATARACT 14, ZONULAR PULVERULENT; CATARACT 14, NUCLEAR PULVERULENT; CATARACT 14, NUCLEAR PULVERULENT AND POSTERIOR POLAR; CATARACT 14, NUCLEAR CORALLIFORM; CATARACT 14, EMBRYONAL NUCLEAR; CATARACT 14, COPPOCK-LIKE. Identifiers: Orphanet 91492, MedGen C1866078, MONDO:0011162, OMIM 601885.

Allele frequency attached by ClinVar (database versions not stated): gnomAD 0.24235 and 0.24530; TOPMed 0.24338; 1000 Genomes Project 30x 0.26530; 1000 Genomes Project 0.26677.

Submissions (2):

Illumina Laboratory Services, Illumina
Classification: Benign for Cataract 14 multiple types. Last evaluated: 2018-01-13. Review status: criteria provided, single submitter. Criteria: ICSL Variant Classification Criteria 13 December 2019. Collection method: clinical testing. Allele origin: germline.
Comment: This variant was observed in the ICSL laboratory as part of a predisposition screen in an ostensibly healthy population. It had not been previously curated by ICSL or reported in the Human Gene Mutation Database (HGMD: prior to June 1st, 2018), and was therefore a candidate for classification through an automated scoring system. Utilizing variant allele frequency, disease prevalence and penetrance estimates, and inheritance mode, an automated score was calculated to assess if this variant is too frequent to cause the disease. Based on the score and internal cut-off values, a variant classified as benign is not then subjected to further curation. The score for this variant resulted in a classification of benign for this disease.

Breakthrough Genomics
Classification: Benign. Review status: criteria provided, single submitter. Criteria: ACMG Guidelines, 2015. Collection method: not provided. Allele origin: germline. Inheritance: Autosomal dominant inheritance. Affected: yes.